The following is an entry in ClinVar:

NM_001174147.2(LMX1B):c.1201G>A (p.Ala401Thr)

Gene: LMX1B (LIM homeobox transcription factor 1 beta; plus strand). Cytogenetic location: 9q33.3.
Variant type: single nucleotide variant.
Coding change: c.1201G>A on transcript NM_001174147.2 (MANE Select); coding-DNA position 1201, G replaced by A.
Protein change: p.Ala401Thr; replaces alanine 401 with threonine.
Molecular consequence: missense variant.
Genome position (GRCh38, 1-based): chr9:126,696,443, G>A. VCF-style: chr9-126696443-G-A. GRCh37 (hg19) VCF-style: chr9-129458722-G-A.
Other names: c.1213G>A, p.Ala405Thr (NM_001174146.2); c.1180G>A, p.Ala394Thr (NM_002316.4); c.1180G>A (NM_002316.3); short protein forms A394T, A401T, A405T.
Identifiers: ClinVar variation 1357819 (VCV001357819.9), dbSNP rs761796969, ClinGen allele CA5242589.

ClinVar aggregate classification (germline): Conflicting classifications of pathogenicity. Review status: criteria provided, conflicting classifications (1 of 4 stars). 3 submissions from 3 submitters: Uncertain significance (2); Likely benign (1). Last evaluated 2025-10-02.

Conditions:
Nail-patella syndrome (NPS). Also called: ONYCHOOSTEODYSPLASIA; TURNER-KIESER SYNDROME; FONG DISEASE. Identifiers: Orphanet 2614, MedGen C0027341, MONDO:0008061, OMIM 161200.
Nail-patella-like renal disease. Also called: GLOMERULAR BASEMENT MEMBRANE DISEASE, NAIL-PATELLA SYNDROME TYPE; Focal Segmental Glomerulosclerosis 10. Identifiers: Orphanet 2613, MedGen C0403548, MONDO:0009724, OMIM 256020.
Inborn genetic diseases. Identifiers: MedGen C0950123, MeSH D030342.

Allele frequency attached by ClinVar (database versions not stated): gnomAD 0.00001; gnomAD exomes 0.00002 and 0.00008; TOPMed 0.00003; ExAC 0.00005.
gnomAD v4.1: 34 of 1,613,804 alleles (0.0021%); highest among the groups gnomAD compares: Admixed American, 0.025%; no homozygotes.

Submissions (3):

Labcorp Genetics (formerly Invitae), Labcorp
Classification: Uncertain significance. Last evaluated: 2025-10-02. Review status: criteria provided, single submitter. Criteria: Invitae Variant Classification Sherloc (09022015). Collection method: clinical testing. Allele origin: germline.
Comment: This sequence change replaces alanine, which is neutral and non-polar, with threonine, which is neutral and polar, at codon 394 of the LMX1B protein (p.Ala394Thr). This variant is present in population databases (rs761796969, gnomAD 0.04%), and has an allele count higher than expected for a pathogenic variant. This variant has not been reported in the literature in individuals affected with LMX1B-related conditions. ClinVar contains an entry for this variant (Variation ID: 1357819). An algorithm developed to predict the effect of missense changes on protein structure and function (PolyPhen-2) suggests that this variant is likely to be tolerated. In summary, the available evidence is currently insufficient to determine the role of this variant in disease. Therefore, it has been classified as a Variant of Uncertain Significance.

Ambry Genetics
Classification: Likely benign for Inborn genetic diseases. Last evaluated: 2025-04-04. Review status: criteria provided, single submitter. Criteria: Ambry Variant Classification Scheme 2023. Collection method: clinical testing. Allele origin: germline.

Fulgent Genetics
Classification: Uncertain significance for Nail-patella syndrome; Nail-patella-like renal disease. Last evaluated: 2022-05-20. Review status: criteria provided, single submitter. Criteria: ACMG Guidelines, 2015. Collection method: clinical testing. Allele origin: unknown.